The following is an entry in ClinVar:

NM_000441.2(SLC26A4):c.811G>T (p.Asp271Tyr)

Gene: SLC26A4 (solute carrier family 26 member 4; plus strand). Cytogenetic location: 7q22.3.
Variant type: single nucleotide variant.
Coding change: c.811G>T on transcript NM_000441.2 (MANE Select); coding-DNA position 811, G replaced by T.
Protein change: p.Asp271Tyr; replaces aspartic acid 271 with tyrosine.
Molecular consequence: missense variant.
Genome position (GRCh38, 1-based): chr7:107,683,247, G>T. VCF-style: chr7-107683247-G-T. GRCh37 (hg19) VCF-style: chr7-107323692-G-T.
Other names: short protein forms D271Y.
Identifiers: ClinVar variation 3601786 (VCV003601786.1).

ClinVar aggregate classification (germline): Likely pathogenic (1 of 4 stars; one submission).

Conditions:
Autosomal recessive nonsyndromic hearing loss 4 (DFNB4). Also called: Deafness, autosomal recessive 4; FOXI1-Related Pendred Syndrome; KCNJ10-Related Pendred Syndrome; DEAFNESS, AUTOSOMAL RECESSIVE 4, WITH ENLARGED VESTIBULAR AQUEDUCT, DIGENIC; NEUROSENSORY NONSYNDROMIC RECESSIVE DEAFNESS 4; Nonsyndromic enlarged vestibular aqueduct (NSEVA). Identifiers: Orphanet 90636, MedGen C3538946, MONDO:0010933, OMIM 600791.

Submission:

Institute of Rare Diseases, West China Hospital, Sichuan University
Classification: Likely pathogenic for Autosomal recessive nonsyndromic hearing loss 4. Last evaluated: 2025-01-09. Review status: criteria provided, single submitter. Criteria: ClinGen HL ACMG Specifications v1. Collection method: research. Allele origin: germline. Affected: yes.
Comment: PM3;PM5;PM2_Supporting;PP3